The following is an entry in ClinVar:

NM_001378452.1(ITPR1):c.1297G>T (p.Val433Phe)

Gene: ITPR1 (inositol 1,4,5-trisphosphate receptor type 1; plus strand). Cytogenetic location: 3p26.1.
Variant type: single nucleotide variant.
Coding change: c.1297G>T on transcript NM_001378452.1 (MANE Select); coding-DNA position 1297, G replaced by T.
Protein change: p.Val433Phe; replaces valine 433 with phenylalanine.
Molecular consequence: missense variant.
Genome position (GRCh38, 1-based): chr3:4,662,127, G>T. VCF-style: chr3-4662127-G-T. GRCh37 (hg19) VCF-style: chr3-4703811-G-T.
Other names: c.1297G>T, p.Val433Phe (NM_001099952.4); c.1252G>T, p.Val418Phe (NM_001168272.2, NM_002222.7); short protein forms V418F, V433F.
Identifiers: ClinVar variation 1308733 (VCV001308733.2), dbSNP rs2093848251, ClinGen allele CA351640950.
Genomic context (GRCh38, chr3:4,662,127, plus strand): 5'-CACCTTGAATTTCAGATTGGCACCTCTCCTGTGAAGGAGGATAAGGAAGCATTTGCCATA[G>T]TTCCGGTTTCTCCTGCTGAAGTTCGGGACCTGGACTTTGCCAATGATGCCAGCAAGGTGC-3'
Protein context (NP_001365381.1, residues 423-443): VKEDKEAFAI[Val433Phe]PVSPAEVRDL

ClinVar aggregate classification (germline): Uncertain significance (1 of 4 stars; one submission).

Submission:

GeneDx
Classification: Uncertain significance. Last evaluated: 2019-10-28. Review status: criteria provided, single submitter. Criteria: GeneDx Variant Classification Process June 2021. Collection method: clinical testing. Allele origin: germline. Affected: yes.
Comment: Not observed in large population cohorts (Lek et al., 2016); In silico analysis, which includes protein predictors and evolutionary conservation, supports a deleterious effect; Has not been previously published as pathogenic or benign to our knowledge